The following is an entry in ClinVar:

NM_000090.4(COL3A1):c.2793G>T (p.Glu931Asp)

Gene: COL3A1 (collagen type III alpha 1 chain; plus strand). Cytogenetic location: 2q32.2.
Variant type: single nucleotide variant.
Coding change: c.2793G>T on transcript NM_000090.4 (MANE Select); coding-DNA position 2793, G replaced by T.
Protein change: p.Glu931Asp; replaces glutamic acid 931 with aspartic acid.
Molecular consequence: missense variant.
Genome position (GRCh38, 1-based): chr2:189,004,113, G>T. VCF-style: chr2-189004113-G-T. GRCh37 (hg19) VCF-style: chr2-189868839-G-T.
Other names: short protein forms E931D.
Identifiers: ClinVar variation 4756956 (VCV004756956.1).

ClinVar aggregate classification (germline): Uncertain significance (1 of 4 stars; one submission).

Conditions:
Familial thoracic aortic aneurysm and aortic dissection (TAAD). Also called: Thoracic aortic aneurysms and dissections. Identifiers: Orphanet 91387, MedGen C4707243, MONDO:0019625.

gnomAD v4.1: 2 of 1,613,800 alleles (0.00012%); highest among the groups gnomAD compares: African/African-American, 0.0027%; no homozygotes.

Submission:

Color Diagnostics, LLC DBA Color Health
Classification: Uncertain significance for Familial thoracic aortic aneurysm and aortic dissection. Last evaluated: 2025-06-10. Review status: criteria provided, single submitter. Criteria: ACMG Guidelines, 2015. Collection method: clinical testing. Allele origin: germline.
Comment: This missense variant replaces glutamic acid with aspartic acid at codon 931 of the COL3A1 protein. Computational prediction tool is inconclusive regarding the impact of this variant on protein structure and function. To our knowledge, functional studies have not been reported for this variant. This variant has not been reported in individuals affected with COL3A1-related disorders in the literature. This variant has not been identified in the general population by the Genome Aggregation Database (gnomAD). The available evidence is insufficient to determine the role of this variant in disease conclusively. Therefore, this variant is classified as a Variant of Uncertain Significance.